The following is an entry in ClinVar:

NM_014225.6(PPP2R1A):c.803C>T (p.Thr268Ile)

Gene: PPP2R1A (protein phosphatase 2 scaffold subunit Aalpha; plus strand). Cytogenetic location: 19q13.41.
Variant type: single nucleotide variant.
Coding change: c.803C>T on transcript NM_014225.6 (MANE Select); coding-DNA position 803, C replaced by T.
Protein change: p.Thr268Ile; replaces threonine 268 with isoleucine.
Molecular consequence: missense variant. On other transcripts: non-coding transcript variant (1).
Genome position (GRCh38, 1-based): chr19:52,213,106, C>T. VCF-style: chr19-52213106-C-T. GRCh37 (hg19) VCF-style: chr19-52716359-C-T.
Other names: c.266C>T, p.Thr89Ile (NM_001363656.2); short protein forms T268I, T89I.
Identifiers: ClinVar variation 4741199 (VCV004741199.1).

ClinVar aggregate classification (germline): Uncertain significance (1 of 4 stars; one submission).

Submission:

Labcorp Genetics (formerly Invitae), Labcorp
Classification: Uncertain significance. Last evaluated: 2025-10-15. Review status: criteria provided, single submitter. Criteria: Invitae Variant Classification Sherloc (09022015). Collection method: clinical testing. Allele origin: germline.
Comment: This sequence change replaces threonine, which is neutral and polar, with isoleucine, which is neutral and non-polar, at codon 268 of the PPP2R1A protein (p.Thr268Ile). This variant is not present in population databases (gnomAD no frequency). This variant has not been reported in the literature in individuals affected with PPP2R1A-related conditions. Invitae Evidence Modeling of protein sequence and biophysical properties (such as structural, functional, and spatial information, amino acid conservation, physicochemical variation, residue mobility, and thermodynamic stability) indicates that this missense variant is not expected to disrupt PPP2R1A protein function with a negative predictive value of 80%. In summary, the available evidence is currently insufficient to determine the role of this variant in disease. Therefore, it has been classified as a Variant of Uncertain Significance.